The following is an entry in ClinVar:

NM_006567.5(FARS2):c.261G>A (p.Trp87Ter)

Genes: FARS2 (phenylalanyl-tRNA synthetase 2, mitochondrial; plus strand), LOC126859565 (CDK7 strongly-dependent group 2 enhancer GRCh37_chr6:5368745-5369944; plus strand). Cytogenetic location: 6p25.1.
Variant type: single nucleotide variant.
Coding change: c.261G>A on transcript NM_006567.5 (MANE Select); coding-DNA position 261, G replaced by A.
Protein change: p.Trp87Ter; replaces tryptophan 87 with a stop codon.
Molecular consequence: nonsense. On other transcripts: intron variant (2).
Genome position (GRCh38, 1-based): chr6:5,368,831, G>A. VCF-style: chr6-5368831-G-A. GRCh37 (hg19) VCF-style: chr6-5369064-G-A.
Other names: c.261G>A, p.Trp87Ter (NM_001318872.2, NM_001374875.1, NM_001374876.1 and 5 more transcripts); c.-340-27802G>A (NM_001375260.1); c.-84-35711G>A (NM_001375259.1); short protein forms W87*.
Identifiers: ClinVar variation 652282 (VCV000652282.7), dbSNP rs1229314240, ClinGen allele CA362734896.

ClinVar aggregate classification (germline): Pathogenic (1 of 4 stars; one submission).

Conditions:
Combined oxidative phosphorylation defect type 14. Also called: Combined oxidative phosphorylation deficiency 14. Identifiers: Orphanet 319519, MedGen C4755312, MONDO:0013986, OMIM 614946.

Allele frequency attached by ClinVar (database versions not stated): TOPMed below 0.00001; gnomAD 0.00001.
gnomAD v4.1: 2 of 1,614,058 alleles (0.00012%); highest among the groups gnomAD compares: Non-Finnish European, 0.00017%; no homozygotes.

Submission:

Labcorp Genetics (formerly Invitae), Labcorp
Classification: Pathogenic for Combined oxidative phosphorylation defect type 14. Last evaluated: 2018-11-28. Review status: criteria provided, single submitter. Criteria: Invitae Variant Classification Sherloc (09022015). Collection method: clinical testing. Allele origin: germline.
Comment: For these reasons, this variant has been classified as Pathogenic. Loss-of-function variants in FARS2 are known to be pathogenic (PMID: 22833457). This variant has not been reported in the literature in individuals with FARS2-related conditions. This variant is not present in population databases (ExAC no frequency). This sequence change creates a premature translational stop signal (p.Trp87*) in the FARS2 gene. It is expected to result in an absent or disrupted protein product.

Literature cited by the submitters: PubMed 22833457.